The following is an entry in ClinVar:

ClinVar aggregate classification (germline): Likely pathogenic (1 of 4 stars; one submission).

Conditions:
IFT172-related disorder. Also called: IFT172-related condition; IFT172-related disorders.

Submission:

PreventionGenetics, part of Exact Sciences
Classification: Likely pathogenic for IFT172-related condition. Last evaluated: 2026-08-05. Review status: criteria provided, single submitter. Criteria: ACMG Guidelines, 2015. Collection method: clinical testing. Allele origin: germline.
Comment: The IFT172 c.812delG variant is predicted to result in a frameshift and premature protein termination (p.Arg271Glnfs*58). To our knowledge, this variant has not been reported in the literature or in a large population database (gnomAD), indicating this variant is rare. Frameshift variants in IFT172 are expected to be pathogenic. This variant is interpreted as likely pathogenic.

NM_015662.3(IFT172):c.812del (p.Arg271fs)

Gene: IFT172 (intraflagellar transport 172; minus strand). Cytogenetic location: 2p23.3.
Variant type: Deletion.
Coding change: c.812del on transcript NM_015662.3 (MANE Select); coding-DNA position 812, one base deleted (G; older notation c.812delG).
Protein change: p.Arg271fs; shifts the reading frame from arginine 271.
Molecular consequence: frameshift variant.
Genome position (GRCh38, 1-based): chr2:27,480,123, C deleted on the plus strand (G on the coding strand, the reverse complement: IFT172 is on the minus strand). VCF-style (leftmost placement, unchanged base first): chr2-27480122-TC-T. GRCh37 (hg19) VCF-style: chr2-27702989-TC-T.
Other names: c.812del, p.Arg271fs (NM_001410739.1); short protein forms R271fs.
Identifiers: ClinVar variation 4992752 (VCV004992752.1).